The following is an entry in ClinVar:

ClinVar aggregate classification (germline): Uncertain significance (1 of 4 stars; one submission).

Submission:

Mayo Clinic Laboratories, Mayo Clinic
Classification: Uncertain significance. Last evaluated: 2025-10-02. Review status: criteria provided, single submitter. Criteria: ACMG Guidelines, 2015. Collection method: clinical testing. Allele origin: germline. Observed: 1 variant allele.
Comment: PP3, PM2_supporting

NM_002113.3(CFHR1):c.253+1G>T

Gene: CFHR1 (complement factor H related 1; plus strand). Cytogenetic location: 1q31.3.
Variant type: single nucleotide variant.
Coding change: c.253+1G>T on transcript NM_002113.3 (MANE Select); the canonical splice donor site of the intron after coding-DNA position 253, G replaced by T.
Molecular consequence: splice donor variant. On other transcripts: intron variant (2).
Genome position (GRCh38, 1-based): chr1:196,825,672, G>T. VCF-style: chr1-196825672-G-T. GRCh37 (hg19) VCF-style: chr1-196794802-G-T.
Other names: c.253+1G>T (NM_001379311.1); c.202+1G>T (NM_001379306.1); c.91+1G>T (NM_001379307.1); c.88+1G>T (NM_001379308.1); c.85+1G>T (NM_001379309.1); c.59-1157G>T (NM_001379310.1); c.59-1205G>T (NM_001379312.1).
Identifiers: ClinVar variation 4542052 (VCV004542052.1).
Genomic context (GRCh38, chr1:196,825,672, plus strand): 5'-CATTTTGGACTCGCATAACATGCACAGAAGAAGGATGGTCACCAACACCAAAGTGTCTCA[G>T]TGAGTAAATGCTCTGTTCATTAAATGGATGTCATTCAGTGAATAGAGAAGGATATGCCAG-3'